The following is an entry in ClinVar:

NM_024298.5(MBOAT7):c.423del (p.Leu142fs)

Gene: MBOAT7 (membrane bound acylglycerophosphatidylinositol O-acyltransferase MBOAT7; minus strand). Cytogenetic location: 19q13.42.
Variant type: Deletion.
Coding change: c.423del on transcript NM_024298.5 (MANE Select); coding-DNA position 423, one base deleted (G; older notation c.423delG).
Protein change: p.Leu142fs; shifts the reading frame from leucine 142.
Molecular consequence: frameshift variant.
Genome position (GRCh38, 1-based): chr19:54,183,591, C deleted on the plus strand (G on the coding strand, the reverse complement: MBOAT7 is on the minus strand); the first of 4 consecutive C bases (chr19:54,183,591-54,183,594); deleting any one gives the same sequence. VCF-style (leftmost placement, unchanged base first): chr19-54183590-GC-G. GRCh37 (hg19) VCF-style: chr19-54687473-GC-G.
Other names: c.204del, p.Leu69fs (NM_001146056.3, NM_001146083.3); c.423del, p.Leu142fs (NM_001146082.3); c.423del (NM_024298.4); short protein forms L69fs, L142fs.
Identifiers: ClinVar variation 268113 (VCV000268113.4), dbSNP rs886041059, ClinGen allele CA309347072.

ClinVar aggregate classification (germline): Pathogenic. Review status: criteria provided, multiple submitters, no conflicts (2 of 4 stars). 3 submissions from 3 submitters: Pathogenic (2). 1 of the submissions does not count toward it. Last evaluated 2025-04-04.

Conditions:
Intellectual developmental disorder, autosomal recessive 57. Also called: Intellectual disability, autosomal recessive 57. Identifiers: MedGen C4310673, MONDO:0014962, OMIM 617188.

Submissions (3):

GeneDx
Classification: Pathogenic. Last evaluated: 2025-04-04. Review status: criteria provided, single submitter. Criteria: GeneDx Variant Classification Process June 2021. Collection method: clinical testing. Allele origin: germline. Affected: yes.
Comment: Frameshift variant predicted to result in protein truncation or nonsense mediated decay in a gene for which loss of function is a known mechanism of disease; Not observed at significant frequency in large population cohorts (gnomAD); This variant is associated with the following publications: (PMID: 27616480)

Institute of Human Genetics, University of Leipzig Medical Center
Classification: Pathogenic for Intellectual developmental disorder, autosomal recessive 57. Last evaluated: 2020-03-01. Review status: criteria provided, single submitter. Criteria: ACMG Guidelines, 2015. Collection method: clinical testing. Allele origin: biparental. Inheritance: Autosomal recessive inheritance. Affected: yes.
Comment: Review of the variants reported in Reuter et al., 2017, PMID: 28097321: PVS1,PM2,PM3_Supporting

OMIM
Classification: Pathogenic for INTELLECTUAL DEVELOPMENTAL DISORDER, AUTOSOMAL RECESSIVE 57. Last evaluated: 2022-01-26. Review status: no assertion criteria provided. Collection method: literature only. Allele origin: germline. Not counted in ClinVar's aggregate classification.

Literature cited by the submitters: Johansen, A., Rosti, R. O., Musaev, D., Sticca, E., Harripaul, R., Zaki, M., Caglayan, A. O., Azam, M., Sultan, T., Froukh, T., Reis, A., Popp, B., Ahmed, I., John, P., Ayub, M., Ben-Omran, T., Vincent, J. B., Gleeson, J. G., Abou Jamra, R. Mutations in MBOAT7, encoding lysophosphatidylinositol acyltransferase I, lead to intellectual disability accompanied by epilepsy and autistic features. Am. J. Hum. Genet. 99: 912-916, 2016. (cited by OMIM).